The following is an entry in ClinVar:

ClinVar aggregate classification (germline): Uncertain significance (1 of 4 stars; one submission).

gnomAD v4.1: 9 of 1,613,098 alleles (0.00056%); highest among the groups gnomAD compares: Non-Finnish European, 0.00076%; no homozygotes.

Submission:

Women's Health and Genetics/Laboratory Corporation of America, LabCorp
Classification: Uncertain significance. Last evaluated: 2024-11-19. Review status: criteria provided, single submitter. Criteria: LabCorp Variant Classification Summary - May 2015. Collection method: clinical testing. Allele origin: germline.
Comment: Variant summary: GBA1 c.115G>C (p.Gly39Arg) results in a non-conservative amino acid change in the encoded protein sequence. Three of five in-silico tools predict a damaging effect of the variant on protein function. Several computational tools predict a significant impact on normal splicing: Three predict the variant weakens a 5' donor site. One predict the variant creates a 5' donor site. However, these predictions have yet to be confirmed by functional studies. The variant allele was found at a frequency of 5.6e-06 in 1613098 control chromosomes. c.115G>C has been reported in the literature in heterozygous individuals affected with autosomel dominant Parkinsons disease (Crosiers_2016, Zhao_2020, Zhao_2021). These data indicate that the variant may be associated with disease. To our knowledge, no experimental evidence demonstrating an impact on protein function has been reported. The following publications have been ascertained in the context of this evaluation (PMID: 27397011, 32613234, 34867278). No submitters have cited clinical-significance assessments for this variant to ClinVar. Based on the evidence outlined above, the variant was classified as VUS-possibly pathogenic.

Literature cited by the submitters: PubMed 27397011; PubMed 34867278; PubMed 32613234; PubMed 35639160.

NM_000157.4(GBA1):c.115G>C (p.Gly39Arg)

Gene: GBA1 (glucosylceramidase beta 1; minus strand). Cytogenetic location: 1q22.
Variant type: single nucleotide variant.
Coding change: c.115G>C on transcript NM_000157.4 (MANE Select); coding-DNA position 115, G replaced by C.
Protein change: p.Gly39Arg; replaces glycine 39 with arginine.
Molecular consequence: missense variant. On other transcripts: intron variant (1).
Genome position (GRCh38, 1-based): chr1:155,240,630, C>G on the plus strand (G>C on the coding strand, the complement: GBA1 is on the minus strand). VCF-style: chr1-155240630-C-G. GRCh37 (hg19) VCF-style: chr1-155210421-C-G.
Other names: c.115G>C, p.Gly39Arg (NM_001005741.3, NM_001005742.3, NM_001171812.2); c.-146-553G>C (NM_001171811.2); short protein forms G39R.
Identifiers: ClinVar variation 3629997 (VCV003629997.1).